The following is an entry in ClinVar:

ClinVar aggregate classification (germline): Conflicting classifications of pathogenicity. Review status: criteria provided, conflicting classifications (1 of 4 stars). 4 submissions from 4 submitters: Uncertain significance (3); Likely benign (1). Last evaluated 2025-08-06.

Conditions:
Floating-Harbor syndrome (FLHS). Also called: Short stature with delayed bone age, expressive language delay, a triangular face with a prominent nose and deep-set eyes; Pelletier-Leisti syndrome; SRCAP-Related Floating-Harbor Syndrome. Identifiers: Orphanet 2044, MedGen C0729582, MONDO:0007621, OMIM 136140.
Developmental delay, hypotonia, musculoskeletal defects, and behavioral abnormalities. Identifiers: MedGen C5562012, MONDO:0859202, OMIM 619595.
Inborn genetic diseases. Identifiers: MedGen C0950123, MeSH D030342.

Allele frequency attached by ClinVar (database versions not stated): ExAC 0.00001; gnomAD exomes 0.00002 and 0.00003; TOPMed 0.00003; gnomAD 0.00004.
gnomAD v4.1: 53 of 1,604,562 alleles (0.0033%); highest among the groups gnomAD compares: Non-Finnish European, 0.0043%; no homozygotes.

Submissions (4):

Ambry Genetics
Classification: Uncertain significance for Inborn genetic diseases. Last evaluated: 2025-08-06. Review status: criteria provided, single submitter. Criteria: Ambry Variant Classification Scheme 2023. Collection method: clinical testing. Allele origin: germline.

Fulgent Genetics
Classification: Uncertain significance for Floating-Harbor syndrome; Developmental delay, hypotonia, musculoskeletal defects, and behavioral abnormalities. Last evaluated: 2024-05-11. Review status: criteria provided, single submitter. Criteria: ACMG Guidelines, 2015. Collection method: clinical testing. Allele origin: germline.

Labcorp Genetics (formerly Invitae), Labcorp
Classification: Uncertain significance. Last evaluated: 2023-07-14. Review status: criteria provided, single submitter. Criteria: Invitae Variant Classification Sherloc (09022015). Collection method: clinical testing. Allele origin: germline.
Comment: In summary, the available evidence is currently insufficient to determine the role of this variant in disease. Therefore, it has been classified as a Variant of Uncertain Significance. Advanced modeling of protein sequence and biophysical properties (such as structural, functional, and spatial information, amino acid conservation, physicochemical variation, residue mobility, and thermodynamic stability) performed at Invitae indicates that this missense variant is not expected to disrupt SRCAP protein function. ClinVar contains an entry for this variant (Variation ID: 436857). This variant has not been reported in the literature in individuals affected with SRCAP-related conditions. This variant is present in population databases (rs779992354, gnomAD 0.003%). This sequence change replaces threonine, which is neutral and polar, with alanine, which is neutral and non-polar, at codon 2819 of the SRCAP protein (p.Thr2819Ala).

Genetic Services Laboratory, University of Chicago
Classification: Likely benign. Last evaluated: 2016-01-28. Review status: criteria provided, single submitter. Criteria: ACMG Guidelines, 2015. Collection method: clinical testing. Allele origin: germline. Affected: no.

NM_006662.3(SRCAP):c.8455A>G (p.Thr2819Ala)

Gene: SRCAP (Snf2 related CREBBP activator protein; plus strand). Cytogenetic location: 16p11.2.
Variant type: single nucleotide variant.
Coding change: c.8455A>G on transcript NM_006662.3 (MANE Select); coding-DNA position 8455, A replaced by G.
Protein change: p.Thr2819Ala; replaces threonine 2819 with alanine.
Molecular consequence: missense variant.
Genome position (GRCh38, 1-based): chr16:30,738,495, A>G. VCF-style: chr16-30738495-A-G. GRCh37 (hg19) VCF-style: chr16-30749816-A-G.
Other names: short protein forms T2819A.
Identifiers: ClinVar variation 436857 (VCV000436857.15), dbSNP rs779992354, ClinGen allele CA8012698.
Genomic context (GRCh38, chr16:30,738,495, plus strand): 5'-CCAGAATCCTCCCCTCCCATTGGTGGGCCCTGTGAAGCTGCTCCTTCATCCTCACTGCCC[A>G]CTCCACCCCAGCAGCCCTTCATTGCTCGCCGTCACATTGAGCTGGGGGTGACTGGTGGTG-3'
Protein context (NP_006653.2, residues 2809-2829): CEAAPSSSLP[Thr2819Ala]PPQQPFIARR